The following is an entry in ClinVar:

NM_001164508.2(NEB):c.25304A>G (p.Lys8435Arg)

Genes: NEB (nebulin; minus strand), RIF1 (replication timing regulatory factor 1; plus strand). Cytogenetic location: 2q23.3.
Variant type: single nucleotide variant.
Coding change: c.25304A>G on transcript NM_001164508.2 (MANE Select); coding-DNA position 25304, A replaced by G.
Protein change: p.Lys8435Arg; replaces lysine 8435 with arginine.
Molecular consequence: missense variant.
Genome position (GRCh38, 1-based): chr2:151,490,071, T>C on the plus strand (A>G on the coding strand, the complement: NEB is on the minus strand). VCF-style: chr2-151490071-T-C. GRCh37 (hg19) VCF-style: chr2-152346585-T-C.
Other names: c.25304A>G, p.Lys8435Arg (NM_001164507.2); c.25409A>G, p.Lys8470Arg (NM_001271208.2); c.19736A>G, p.Lys6579Arg (NM_004543.5); short protein forms K8470R, K6579R, K8435R.
Identifiers: ClinVar variation 1899263 (VCV001899263.2), dbSNP rs2551647446, ClinGen allele CA348770869.
Genomic context (GRCh38, chr2:151,490,071, plus strand): 5'-GTCTGTTGGGTAGCAACTGAAGATGATCGTTGTTGTGGGAGCTCTGTGGTTTTTGCATGT[T>C]TGTAAGCTGAAAAAAAGGGGGCAAATTCTTTATAAGAAGAAAAATGGCTAGGTATCCTTT-3'
Protein context (NP_001157980.2, residues 8425-8445): GGVFAVSTAY[Lys8435Arg]HAKTTELPQQ

ClinVar aggregate classification (germline): Uncertain significance (1 of 4 stars; one submission).

Conditions:
Nemaline myopathy 2 (NEM2). Also called: Nemaline myopathy 2, autosomal recessive. Identifiers: MedGen C1850569, MONDO:0009725, OMIM 256030.

Submission:

Labcorp Genetics (formerly Invitae), Labcorp
Classification: Uncertain significance for Nemaline myopathy 2. Last evaluated: 2022-07-20. Review status: criteria provided, single submitter. Criteria: Invitae Variant Classification Sherloc (09022015). Collection method: clinical testing. Allele origin: germline.
Comment: This sequence change replaces lysine, which is basic and polar, with arginine, which is basic and polar, at codon 8470 of the NEB protein (p.Lys8470Arg). This variant is not present in population databases (gnomAD no frequency). This variant has not been reported in the literature in individuals affected with NEB-related conditions. Algorithms developed to predict the effect of missense changes on protein structure and function are either unavailable or do not agree on the potential impact of this missense change (SIFT: "Deleterious"; PolyPhen-2: "Not Available"; Align-GVGD: "Class C0"). In summary, the available evidence is currently insufficient to determine the role of this variant in disease. Therefore, it has been classified as a Variant of Uncertain Significance.